The following is an entry in ClinVar:

NM_001692.4(ATP6V1B1):c.181C>T (p.Gln61Ter)

Gene: ATP6V1B1 (ATPase H+ transporting V1 subunit B1; plus strand). Cytogenetic location: 2p13.3.
Variant type: single nucleotide variant.
Coding change: c.181C>T on transcript NM_001692.4 (MANE Select); coding-DNA position 181, C replaced by T.
Protein change: p.Gln61Ter; replaces glutamine 61 with a stop codon.
Molecular consequence: nonsense.
Genome position (GRCh38, 1-based): chr2:70,958,052, C>T. VCF-style: chr2-70958052-C-T. GRCh37 (hg19) VCF-style: chr2-71185182-C-T.
Other names: short protein forms Q61*.
Identifiers: ClinVar variation 632363 (VCV000632363.15), dbSNP rs373621560, ClinGen allele CA1700947.

ClinVar aggregate classification (germline): Pathogenic/Likely pathogenic. Review status: criteria provided, multiple submitters, no conflicts (2 of 4 stars). 4 submissions from 4 submitters: Pathogenic (2); Likely pathogenic (2). Last evaluated 2025-05-01.

Conditions:
Renal tubular acidosis with progressive nerve deafness. Also called: Distal Renal Tubular Acidosis with Progressive Sensorineural Deafness; RENAL TUBULAR ACIDOSIS, AUTOSOMAL RECESSIVE, WITH PROGRESSIVE NERVE DEAFNESS; RTA WITH PROGRESSIVE NERVE DEAFNESS; renal tubular acidosis, distal, 2, with progressive sensorineural hearing loss. Identifiers: MedGen C0403554, MONDO:0009968, OMIM 267300.

Allele frequency attached by ClinVar (database versions not stated): ExAC 0.00001; gnomAD 0.00001; TOPMed 0.00002; ESP Exome Variant Server 0.00008; gnomAD exomes 0.00001.
gnomAD v4.1: 30 of 1,613,826 alleles (0.0019%); highest among the groups gnomAD compares: Middle Eastern, 0.016%; no homozygotes.

Submissions (4):

Rare Kidney Stone Consortium and the Mayo Clinic Hyperoxaluria Center, Mayo Clinic
Classification: Likely pathogenic for Renal tubular acidosis with progressive nerve deafness. Last evaluated: 2025-05-01. Review status: criteria provided, single submitter. Criteria: ACMG Guidelines, 2015. Collection method: research. Allele origin: germline.
Comment: ACMG: PVS1, PM2

heterozygote

MVZ Medizinische Genetik Mainz
Classification: Pathogenic for Renal tubular acidosis with progressive nerve deafness. Last evaluated: 2025-02-12. Review status: criteria provided, single submitter. Criteria: UK Practice Guidelines For Variant Classification V4 01 2020. Collection method: clinical testing. Allele origin: germline. Inheritance: Autosomal recessive inheritance. Affected: yes. Observed: 1 variant allele.
Comment: ACMG Criteria: PVS1,PM2_SUP,PM3_SUP,PP4

Natera, Inc.
Classification: Likely pathogenic for Renal tubular acidosis with progressive nerve deafness. Last evaluated: 2024-05-24. Review status: criteria provided, single submitter. Criteria: Natera Variant Classification Schema (03/2026). Collection method: clinical testing. Allele origin: germline.
Comment: The c.181C>T variant in ATP6V1B1 is a nonsense variant predicted to introduce a stop codon at amino acid 61. This variant is expected to result in nonsense mediated decay, truncation, or a dysfunctional protein product. This variant is rare in the general population with a frequency below the threshold expected for the associated phenotype(s). Given the available evidence, this variant is classified as Likely Pathogenic.

Labcorp Genetics (formerly Invitae), Labcorp
Classification: Pathogenic. Last evaluated: 2023-12-19. Review status: criteria provided, single submitter. Criteria: Invitae Variant Classification Sherloc (09022015). Collection method: clinical testing. Allele origin: germline.
Comment: This sequence change creates a premature translational stop signal (p.Gln61*) in the ATP6V1B1 gene. It is expected to result in an absent or disrupted protein product. Loss-of-function variants in ATP6V1B1 are known to be pathogenic (PMID: 9916796, 18368028). This variant is present in population databases (rs373621560, gnomAD 0.003%). This variant has not been reported in the literature in individuals affected with ATP6V1B1-related conditions. ClinVar contains an entry for this variant (Variation ID: 632363). For these reasons, this variant has been classified as Pathogenic.

Literature cited by the submitters: PubMed 34805638 (cited by Rare Kidney Stone Consortium and the Mayo Clinic Hyperoxaluria Center, Mayo Clinic); PubMed 9916796 (cited by Labcorp Genetics (formerly Invitae), Labcorp); PubMed 18368028 (cited by Labcorp Genetics (formerly Invitae), Labcorp).